The following is an entry in ClinVar:

ClinVar aggregate classification (germline): Uncertain significance. Review status: criteria provided, multiple submitters, no conflicts (2 of 4 stars). 2 submissions from 2 submitters: Uncertain significance (2). Last evaluated 2024-12-04.

Conditions:
Hereditary cancer-predisposing syndrome. Also called: Hereditary neoplastic syndrome; Hereditary Cancer Syndrome; Neoplastic Syndromes, Hereditary; Tumor predisposition. Identifiers: Orphanet 140162, MedGen C0027672, MeSH D009386, MONDO:0015356.
Familial cancer of breast. Also called: Hereditary breast cancer; BREAST CANCER, FAMILIAL; hereditary breast carcinoma. Identifiers: Orphanet 227535, MedGen C0346153, MONDO:0016419, OMIM 114480. Disease mechanism: loss of function.

Submissions (2):

Ambry Genetics
Classification: Uncertain significance for Hereditary cancer-predisposing syndrome. Last evaluated: 2024-12-04. Review status: criteria provided, single submitter. Criteria: Ambry Variant Classification Scheme 2023. Collection method: clinical testing. Allele origin: germline.
Comment: The p.W156S variant (also known as c.467G>C), located in coding exon 4 of the ATM gene, results from a G to C substitution at nucleotide position 467. The tryptophan at codon 156 is replaced by serine, an amino acid with highly dissimilar properties. This amino acid position is highly conserved in available vertebrate species. In addition, this alteration is predicted to be deleterious by in silico analysis. Based on the available evidence, the clinical significance of this variant remains unclear.

Baylor Genetics
Classification: Uncertain significance for Familial cancer of breast. Last evaluated: 2023-10-12. Review status: criteria provided, single submitter. Criteria: ACMG Guidelines, 2015. Collection method: clinical testing. Allele origin: unknown.

NM_000051.4(ATM):c.467G>C (p.Trp156Ser)

Gene: ATM (ATM serine/threonine kinase; plus strand). Cytogenetic location: 11q22.3.
Variant type: single nucleotide variant.
Coding change: c.467G>C on transcript NM_000051.4 (MANE Select); coding-DNA position 467, G replaced by C.
Protein change: p.Trp156Ser; replaces tryptophan 156 with serine.
Molecular consequence: missense variant.
Genome position (GRCh38, 1-based): chr11:108,235,805, G>C. VCF-style: chr11-108235805-G-C. GRCh37 (hg19) VCF-style: chr11-108106532-G-C.
Other names: c.467G>C, p.Trp156Ser (NM_001351834.2); short protein forms W156S.
Identifiers: ClinVar variation 229717 (VCV000229717.7), dbSNP rs876658159, ClinGen allele CA10578958.